The following is an entry in ClinVar:

ClinVar aggregate classification (germline): Uncertain significance. Review status: criteria provided, multiple submitters, no conflicts (2 of 4 stars). 3 submissions from 3 submitters: Uncertain significance (3). Last evaluated 2025-11-24.

Conditions:
Familial thoracic aortic aneurysm and aortic dissection (TAAD). Also called: Thoracic aortic aneurysms and dissections. Identifiers: Orphanet 91387, MedGen C4707243, MONDO:0019625.
Ehlers-Danlos syndrome, type 4 (EDSVASC). Also called: Ehlers-Danlos syndrome vascular type; Ehlers Danlos syndrome, ecchymotic type; Ehlers Danlos syndrome, arterial type; Ehlers Danlos syndrome, Sack-Barabas type; Ehlers-Danlos Syndrome Type IV. Identifiers: Orphanet 286, MedGen C0268338, MONDO:0017314, OMIM 130050.
Polymicrogyria with or without vascular-type Ehlers-Danlos syndrome. Identifiers: Orphanet 636941, MedGen C5193040, MONDO:0032688, OMIM 618343.

Allele frequency attached by ClinVar (database versions not stated): TOPMed below 0.00001.

Submissions (3):

Color Diagnostics, LLC DBA Color Health
Classification: Uncertain significance for Familial thoracic aortic aneurysm and aortic dissection. Last evaluated: 2025-11-24. Review status: criteria provided, single submitter. Criteria: ACMG Guidelines, 2015. Collection method: clinical testing. Allele origin: germline.
Comment: This missense variant replaces alanine with valine at codon 691 of the COL3A1 protein. Computational prediction suggests that this variant may not impact protein structure and function. To our knowledge, functional studies have not been reported for this variant. This variant has not been reported in individuals affected with cardiovascular disorders in the literature. This variant has not been identified in the general population by the Genome Aggregation Database (gnomAD). The available evidence is insufficient to determine the role of this variant in disease conclusively. Therefore, this variant is classified as a Variant of Uncertain Significance.

All of Us Research Program, National Institutes of Health
Classification: Uncertain significance for Ehlers-Danlos syndrome, type 4. Last evaluated: 2023-04-27. Review status: criteria provided, single submitter. Criteria: ACMG Guidelines, 2015. Collection method: clinical testing. Allele origin: germline. Inheritance: Autosomal dominant inheritance. Observed: 1 variant allele, 1 heterozygote.
Comment: This missense variant replaces alanine with valine at codon 691 of the COL3A1 protein. Computational prediction suggests that this variant may not impact protein structure and function (internally defined REVEL score threshold <= 0.5, PMID: 27666373). To our knowledge, functional studies have not been reported for this variant. This variant has not been reported in individuals affected with cardiovascular disorders in the literature. This variant has not been identified in the general population by the Genome Aggregation Database (gnomAD). The available evidence is insufficient to determine the role of this variant in disease conclusively. Therefore, this variant is classified as a Variant of Uncertain Significance.

This study involves interpretation of variants in research participants for the purpose of population health screening. Participant phenotype was not available at the time of variant classification. Additional details can be found in publication PMID: 35346344, PMCID: PMC8962531

Fulgent Genetics
Classification: Uncertain significance for Ehlers-Danlos syndrome, type 4; Polymicrogyria with or without vascular-type Ehlers-Danlos syndrome. Last evaluated: 2021-10-16. Review status: criteria provided, single submitter. Criteria: ACMG Guidelines, 2015. Collection method: clinical testing. Allele origin: unknown.

NM_000090.4(COL3A1):c.2072C>T (p.Ala691Val)

Gene: COL3A1 (collagen type III alpha 1 chain; plus strand). Cytogenetic location: 2q32.2.
Variant type: single nucleotide variant.
Coding change: c.2072C>T on transcript NM_000090.4 (MANE Select); coding-DNA position 2072, C replaced by T.
Protein change: p.Ala691Val; replaces alanine 691 with valine.
Molecular consequence: missense variant.
Genome position (GRCh38, 1-based): chr2:188,999,334, C>T. VCF-style: chr2-188999334-C-T. GRCh37 (hg19) VCF-style: chr2-189864060-C-T.
Other names: short protein forms A691V.
Identifiers: ClinVar variation 1171966 (VCV001171966.7), dbSNP rs199851835, ClinGen allele CA349840108.